The following is an entry in ClinVar:

ClinVar aggregate classification (germline): Likely pathogenic (1 of 4 stars; one submission).

Conditions:
SCLT1-related disorder. Also called: SCLT1-related condition.

Submission:

PreventionGenetics, part of Exact Sciences
Classification: Likely pathogenic for SCLT1-related condition. Last evaluated: 2026-05-20. Review status: criteria provided, single submitter. Criteria: ACMG Guidelines, 2015. Collection method: clinical testing. Allele origin: germline.
Comment: The SCLT1 c.983_984dupAG variant is predicted to result in a frameshift and premature protein termination (p.Ala329Argfs*4). To our knowledge, this variant has not been reported in the literature or in a large population database (gnomAD), indicating this variant is rare. Frameshift variants in SCLT1 are expected to be pathogenic. This variant is interpreted as likely pathogenic.

NM_144643.4(SCLT1):c.983_984dup (p.Ala329fs)

Gene: SCLT1 (sodium channel and clathrin linker 1; minus strand). Cytogenetic location: 4q28.2.
Variant type: Duplication.
Coding change: c.983_984dup on transcript NM_144643.4 (MANE Select); coding-DNA positions 983 to 984, 2 bases duplicated (AG; older notation c.983_984dupAG).
Protein change: p.Ala329fs; shifts the reading frame from alanine 329.
Molecular consequence: frameshift variant.
Genome position (GRCh38, 1-based): chr4:128,959,663-128,959,664, CT duplicated on the plus strand (AG on the coding strand, the reverse complement: SCLT1 is on the minus strand); duplicating any 2 consecutive bases within chr4:128,959,663-128,959,665 gives the same sequence; the c. name uses the placement nearest the transcript's 3' end. VCF-style (leftmost placement, unchanged base first): chr4-128959662-C-CCT. GRCh37 (hg19) VCF-style: chr4-129880817-C-CCT.
Other names: c.983_984dup, p.Ala329fs (NM_001410807.1); short protein forms A329fs.
Identifiers: ClinVar variation 4995098 (VCV004995098.1).
Genomic context (GRCh38, chr4:128,959,662, plus strand): 5'-GACTTTTTTGAAGGTTAGCTTCTTCTAAGAGTTGCATGCTATTTCTGGCTCTTACAATAG[C>CCT]CTCATATCTCTCATTTTCTAATTCATTGCACTTTGCTTGTAGCTCTCTGGTCTGTTTTTC-3'